The following is an entry in ClinVar:

ClinVar aggregate classification (germline): Uncertain significance. Review status: criteria provided, multiple submitters, no conflicts (2 of 4 stars). 2 submissions from 2 submitters: Uncertain significance (2). Last evaluated 2023-07-30.

Conditions:
Inborn genetic diseases. Identifiers: MedGen C0950123, MeSH D030342.

gnomAD v4.1: 1 of 1,614,184 alleles (0.000062%); highest among the groups gnomAD compares: South Asian, 0.0011%; no homozygotes.

Submissions (2):

Ambry Genetics
Classification: Uncertain significance for Inborn genetic diseases. Last evaluated: 2023-07-30. Review status: criteria provided, single submitter. Criteria: Ambry Variant Classification Scheme 2023. Collection method: clinical testing. Allele origin: germline.

Labcorp Genetics (formerly Invitae), Labcorp
Classification: Uncertain significance. Last evaluated: 2022-08-09. Review status: criteria provided, single submitter. Criteria: Invitae Variant Classification Sherloc (09022015). Collection method: clinical testing. Allele origin: germline.
Comment: In summary, the available evidence is currently insufficient to determine the role of this variant in disease. Therefore, it has been classified as a Variant of Uncertain Significance. Algorithms developed to predict the effect of missense changes on protein structure and function (SIFT, PolyPhen-2, Align-GVGD) all suggest that this variant is likely to be disruptive. ClinVar contains an entry for this variant (Variation ID: 1510462). This variant has not been reported in the literature in individuals affected with NDUFS3-related conditions. This variant is not present in population databases (gnomAD no frequency). This sequence change replaces glycine, which is neutral and non-polar, with valine, which is neutral and non-polar, at codon 62 of the NDUFS3 protein (p.Gly62Val).

NM_004551.3(NDUFS3):c.185G>T (p.Gly62Val)

Gene: NDUFS3 (NADH:ubiquinone oxidoreductase core subunit S3; plus strand). Cytogenetic location: 11p11.2.
Variant type: single nucleotide variant.
Coding change: c.185G>T on transcript NM_004551.3 (MANE Select); coding-DNA position 185, G replaced by T.
Protein change: p.Gly62Val; replaces glycine 62 with valine.
Molecular consequence: missense variant.
Genome position (GRCh38, 1-based): chr11:47,580,576, G>T. VCF-style: chr11-47580576-G-T. GRCh37 (hg19) VCF-style: chr11-47602128-G-T.
Other names: c.185G>T (NM_004551.2); short protein forms G62V.
Identifiers: ClinVar variation 1510462 (VCV001510462.7), dbSNP rs889228369, ClinGen allele CA221735540.